The following is an entry in ClinVar:

NM_001009944.3(PKD1):c.1534G>A (p.Gly512Arg)

Gene: PKD1 (polycystin 1, transient receptor potential channel interacting; minus strand). Cytogenetic location: 16p13.3.
Variant type: single nucleotide variant.
Coding change: c.1534G>A on transcript NM_001009944.3 (MANE Select); coding-DNA position 1534, G replaced by A.
Protein change: p.Gly512Arg; replaces glycine 512 with arginine.
Molecular consequence: missense variant.
Genome position (GRCh38, 1-based): chr16:2,116,905, C>T on the plus strand (G>A on the coding strand, the complement: PKD1 is on the minus strand). VCF-style: chr16-2116905-C-T. GRCh37 (hg19) VCF-style: chr16-2166906-C-T.
Other names: c.1534G>A, p.Gly512Arg (NM_000296.4); short protein forms G512R.
Identifiers: ClinVar variation 4531587 (VCV004531587.3).
Genomic context (GRCh38, chr16:2,116,905, plus strand): 5'-GCTCGCAGACGTAGCTGTGCGGCGCTGAGCACAGGTCGGTGTTACACCACCCGGTGGGCC[C>T]GAGCCGGACGCAGTGCTCGGCTGTGGCTGGGTGTGGCTCCCCGGGCAGCCAGTTCTGGCA-3'
Protein context (NP_001009944.3, residues 502-522): PATAEHCVRL[Gly512Arg]PTGWCNTDLC

ClinVar aggregate classification (germline): Uncertain significance. Review status: criteria provided, multiple submitters, no conflicts (2 of 4 stars). 3 submissions from 3 submitters: Uncertain significance (3). Last evaluated 2025-11-29.

Conditions:
PKD1-related disorder. Also called: PKD1-related condition.
Polycystic kidney disease, adult type (PKD1). Also called: Polycystic Kidney Disease 1, Autosomal Dominant; Polycystic kidney disease 1; Polycystic kidney disease 1, severe; Polycystic Kidney, Autosomal Dominant; POLYCYSTIC KIDNEY DISEASE 1 WITH OR WITHOUT POLYCYSTIC LIVER DISEASE; POLYCYSTIC KIDNEY DISEASE, ADULT, TYPE I. Identifiers: MedGen C3149841, MONDO:0008263, OMIM 173900.

Submissions (3):

PreventionGenetics, part of Exact Sciences
Classification: Uncertain significance for PKD1-related condition. Last evaluated: 2025-11-29. Review status: criteria provided, single submitter. Criteria: ACMG Guidelines, 2015. Collection method: clinical testing. Allele origin: germline.
Comment: The PKD1 c.1534G>A variant is predicted to result in the amino acid substitution p.Gly512Arg. To our knowledge, this variant has not been reported in the literature. This variant is reported in 0.0045% of alleles in individuals of South Asian descent in gnomAD. At this time, the clinical significance of this variant is uncertain due to the absence of conclusive functional and genetic evidence.

Victorian Clinical Genetics Services, Murdoch Childrens Research Institute
Classification: Uncertain significance for Polycystic kidney disease, adult type. Last evaluated: 2025-03-25. Review status: criteria provided, single submitter. Criteria: ACMG Guidelines, 2015. Collection method: clinical testing. Allele origin: germline. Affected: yes.
Comment: This variant is classified as VUS-3B. Evidence in support of pathogenic classification: Variant is present in gnomAD <0.001 for a dominant condition (v4: 4 heterozygote(s), 0 homozygote(s)); Missense variant predicted to be damaging by in silico tool(s) or highly conserved with a major amino acid change. Additional information: Variant is predicted to result in a missense amino acid change from glycine to arginine; This variant is heterozygous; This gene is associated with autosomal dominant disease. Polycystic kidney disease 1 (MIM#173900) is predominantly caused by monoallelic variants, with rare reports of biallelic variants causing disease (OMIM); This variant has no previous evidence of pathogenicity; No published segregation evidence has been identified for this variant; No published functional evidence has been identified for this variant; No comparable missense variants have previous evidence for pathogenicity; Variant is located in the annotated lectin C-type domain (DECIPHER); Loss of function is a known mechanism of disease in this gene and is associated with polycystic kidney disease 1 (MIM#173900); Inheritance information for this variant is not currently available in this individual.

Blueprint Genetics
Classification: Uncertain significance. Last evaluated: 2024-02-20. Review status: criteria provided, single submitter. Criteria: ACMG Guidelines, 2015. Collection method: clinical testing. Allele origin: germline.